The following is an entry in ClinVar:

ClinVar aggregate classification (germline): Likely benign. Review status: criteria provided, multiple submitters, no conflicts (2 of 4 stars). 3 submissions from 3 submitters: Likely benign (2). 1 of the submissions does not count toward it. Last evaluated 2025-12-30.

Conditions:
SCLT1-related disorder. Also called: SCLT1-related condition.

Allele frequency attached by ClinVar (database versions not stated): 1000 Genomes Project 30x 0.00016; 1000 Genomes Project 0.00020; ExAC 0.00020; gnomAD 0.00026 and 0.00029; gnomAD exomes 0.00029 and 0.00034; ESP Exome Variant Server 0.00031; TOPMed 0.00031.
gnomAD v4.1: 445 of 1,332,502 alleles (0.033%); highest among the groups gnomAD compares: Admixed American, 0.049%; no homozygotes.

Submissions (3):

Labcorp Genetics (formerly Invitae), Labcorp
Classification: Likely benign. Last evaluated: 2025-12-30. Review status: criteria provided, single submitter. Criteria: Invitae Variant Classification Sherloc (09022015). Collection method: clinical testing. Allele origin: germline.

Blueprint Genetics
Classification: Likely benign. Last evaluated: 2024-09-11. Review status: criteria provided, single submitter. Criteria: ACMG Guidelines, 2015. Collection method: clinical testing. Allele origin: germline.

PreventionGenetics, part of Exact Sciences
Classification: Likely benign for SCLT1-related condition. Last evaluated: 2024-08-29. Review status: no assertion criteria provided. Collection method: clinical testing. Allele origin: germline. Not counted in ClinVar's aggregate classification.
Comment: This variant is classified as likely benign based on ACMG/AMP sequence variant interpretation guidelines (Richards et al. 2015 PMID: 25741868, with internal and published modifications).

NM_144643.4(SCLT1):c.1147-10T>C

Gene: SCLT1 (sodium channel and clathrin linker 1; minus strand). Cytogenetic location: 4q28.2.
Variant type: single nucleotide variant.
Coding change: c.1147-10T>C on transcript NM_144643.4 (MANE Select); 10 bases into the intron before coding-DNA position 1147, T replaced by C.
Molecular consequence: intron variant.
Genome position (GRCh38, 1-based): chr4:128,952,850, A>G on the plus strand (T>C on the coding strand, the complement: SCLT1 is on the minus strand). VCF-style: chr4-128952850-A-G. GRCh37 (hg19) VCF-style: chr4-129874005-A-G.
Other names: c.1147-10T>C (NM_144643.3).
Identifiers: ClinVar variation 1139661 (VCV001139661.11), dbSNP rs201502014, ClinGen allele CA3079720.